The following is an entry in ClinVar:

ClinVar aggregate classification (germline): Benign. Review status: criteria provided, multiple submitters, no conflicts (2 of 4 stars). 2 submissions from 2 submitters: Benign (2). Last evaluated 2018-01-12.

Conditions:
Growth delay due to insulin-like growth factor I resistance. Also called: Somatomedin end-organ insensitivity to; Somatomedin-c resistance to; IGF-1 resistance; IGF-I RESISTANCE; Insulin-Like Growth Factor I Resistance. Identifiers: Orphanet 73273, MedGen C1849157, MONDO:0010038, OMIM 270450.

Allele frequency attached by ClinVar (database versions not stated): 1000 Genomes Project 30x 0.98844; 1000 Genomes Project 0.98942; TOPMed 0.98991; gnomAD 0.99028 and 0.99101; gnomAD exomes 0.99807.
gnomAD v4.1: 231,803 of 233,328 alleles (99%); highest among the groups gnomAD compares: Middle Eastern, 100%; 115,170 homozygotes.

Submissions (2):

Illumina Laboratory Services, Illumina
Classification: Benign for Growth delay due to insulin-like growth factor I resistance. Last evaluated: 2018-01-12. Review status: criteria provided, single submitter. Criteria: ICSL Variant Classification Criteria 13 December 2019. Collection method: clinical testing. Allele origin: germline.
Comment: This variant was observed in the ICSL laboratory as part of a predisposition screen in an ostensibly healthy population. It had not been previously curated by ICSL or reported in the Human Gene Mutation Database (HGMD: prior to June 1st, 2018), and was therefore a candidate for classification through an automated scoring system. Utilizing variant allele frequency, disease prevalence and penetrance estimates, and inheritance mode, an automated score was calculated to assess if this variant is too frequent to cause the disease. Based on the score and internal cut-off values, a variant classified as benign is not then subjected to further curation. The score for this variant resulted in a classification of benign for this disease.

Breakthrough Genomics
Classification: Benign. Review status: criteria provided, single submitter. Criteria: ACMG Guidelines, 2015. Collection method: not provided. Allele origin: germline. Inheritance: Autosomal dominant inheritance. Affected: yes.

NM_000875.5(IGF1R):c.*6271C>T

Gene: IGF1R (insulin like growth factor 1 receptor; plus strand). Cytogenetic location: 15q26.3.
Variant type: single nucleotide variant.
Coding change: c.*6271C>T on transcript NM_000875.5 (MANE Select); 6271 bases downstream of the stop codon, C replaced by T.
Molecular consequence: 3 prime UTR variant.
Genome position (GRCh38, 1-based): chr15:98,963,713, C>T. VCF-style: chr15-98963713-C-T. GRCh37 (hg19) VCF-style: chr15-99506942-C-T.
Other names: c.*6271C>T (NM_001291858.2).
Identifiers: ClinVar variation 317637 (VCV000317637.6), dbSNP rs2177031, ClinGen allele CA10646807.